The following is an entry in ClinVar:

NM_006904.7(PRKDC):c.9959T>G (p.Ile3320Ser)

Gene: PRKDC (protein kinase, DNA-activated, catalytic subunit; minus strand). Cytogenetic location: 8q11.21.
Variant type: single nucleotide variant.
Coding change: c.9959T>G on transcript NM_006904.7 (MANE Select); coding-DNA position 9959, T replaced by G.
Protein change: p.Ile3320Ser; replaces isoleucine 3320 with serine.
Molecular consequence: missense variant.
Genome position (GRCh38, 1-based): chr8:47,800,950, A>C on the plus strand (T>G on the coding strand, the complement: PRKDC is on the minus strand). VCF-style: chr8-47800950-A-C. GRCh37 (hg19) VCF-style: chr8-48713511-A-C.
Other names: c.9959T>G, p.Ile3320Ser (NM_001081640.2); short protein forms I3320S.
Identifiers: ClinVar variation 2497397 (VCV002497397.2), dbSNP rs2551862997, ClinGen allele CA371135885.
Genomic context (GRCh38, chr8:47,800,950, plus strand): 5'-GCATTCGCTATGATCCTGTAAGTTGTACCCAAGAGAATGTTCTGGTCACGGAAAGCCAGA[A>C]TATTTTTGCTTAAGTAGCTTGACACGTTGTTCTCATCTGTTGGATTAAAAAAACAAAACA-3'
Protein context (NP_008835.5, residues 3310-3330): NNVSSYLSKN[Ile3320Ser]LAFRDQNILL

ClinVar aggregate classification (germline): Uncertain significance (1 of 4 stars; one submission).

Submission:

Ambry Genetics
Classification: Uncertain significance. Last evaluated: 2022-12-12. Review status: criteria provided, single submitter. Criteria: Ambry Variant Classification Scheme 2023. Collection method: clinical testing. Allele origin: germline.
Comment: The p.I3320S variant (also known as c.9959T>G), located in coding exon 71 of the PRKDC gene, results from a T to G substitution at nucleotide position 9959. The isoleucine at codon 3320 is replaced by serine, an amino acid with dissimilar properties. This amino acid position is conserved. In addition, this alteration is predicted to be tolerated by in silico analysis. Since supporting evidence is limited at this time, the clinical significance of this alteration remains unclear.